The following is an entry in ClinVar:

ClinVar aggregate classification (germline): Uncertain significance (1 of 4 stars; one submission).

Submission:

GeneDx
Classification: Uncertain significance. Last evaluated: 2026-01-23. Review status: criteria provided, single submitter. Criteria: GeneDx Variant Classification Process June 2021. Collection method: clinical testing. Allele origin: germline.
Comment: Not observed at significant frequency in large population cohorts (gnomAD); In silico analysis suggests that this missense variant does not alter protein structure/function; Has not been previously published as pathogenic or benign to our knowledge

NM_001256627.2(BRSK2):c.892A>G (p.Ile298Val)

Gene: BRSK2 (BR serine/threonine kinase 2; plus strand). Cytogenetic location: 11p15.5.
Variant type: single nucleotide variant.
Coding change: c.892A>G on transcript NM_001256627.2 (MANE Select); coding-DNA position 892, A replaced by G.
Protein change: p.Ile298Val; replaces isoleucine 298 with valine.
Molecular consequence: missense variant. On other transcripts: non-coding transcript variant (1).
Genome position (GRCh38, 1-based): chr11:1,445,373, A>G. VCF-style: chr11-1445373-A-G. GRCh37 (hg19) VCF-style: chr11-1466603-A-G.
Other names: c.712A>G, p.Ile238Val (NM_001282218.2); c.892A>G, p.Ile298Val (NM_003957.4, NM_001256629.2); c.1030A>G, p.Ile344Val (NM_001256630.1); short protein forms I238V, I298V, I344V.
Identifiers: ClinVar variation 3774126 (VCV003774126.2).